The following is an entry in ClinVar:

ClinVar aggregate classification (germline): Uncertain significance. Review status: criteria provided, multiple submitters, no conflicts (2 of 4 stars). 4 submissions from 4 submitters: Uncertain significance (4). Last evaluated 2025-07-09.

Conditions:
Inborn genetic diseases. Identifiers: MedGen C0950123, MeSH D030342.

Allele frequency attached by ClinVar (database versions not stated): gnomAD 0.00001; gnomAD exomes 0.00001; TOPMed 0.00001.

Submissions (4):

Women's Health and Genetics/Laboratory Corporation of America, LabCorp
Classification: Uncertain significance. Last evaluated: 2025-07-09. Review status: criteria provided, single submitter. Criteria: LabCorp Variant Classification Summary - May 2015. Collection method: clinical testing. Allele origin: germline.
Comment: Variant summary: NLRP1 c.1004C>T (p.Ala335Val) results in a non-conservative amino acid change in the encoded protein sequence. Algorithms developed to predict the effect of missense changes on protein structure and function are either unavailable or do not agree on the potential impact of this missense change. The variant was absent in 251460 control chromosomes. The available data on variant occurrences in the general population are insufficient to allow any conclusion about variant significance. To our knowledge, no occurrence of c.1004C>T in individuals affected with Autoinflammation With Arthritis And Dyskeratosis-AR and no experimental evidence demonstrating its impact on protein function have been reported. ClinVar contains an entry for this variant (Variation ID: 1320383). Based on the evidence outlined above, the variant was classified as uncertain significance.

Ambry Genetics
Classification: Uncertain significance for Inborn genetic diseases. Last evaluated: 2023-02-23. Review status: criteria provided, single submitter. Criteria: Ambry Variant Classification Scheme 2023. Collection method: clinical testing. Allele origin: germline.

Labcorp Genetics (formerly Invitae), Labcorp
Classification: Uncertain significance. Last evaluated: 2021-04-21. Review status: criteria provided, single submitter. Criteria: Invitae Variant Classification Sherloc (09022015). Collection method: clinical testing. Allele origin: germline.
Comment: In summary, the available evidence is currently insufficient to determine the role of this variant in disease. Therefore, it has been classified as a Variant of Uncertain Significance. Algorithms developed to predict the effect of missense changes on protein structure and function output the following: SIFT: "Tolerated"; PolyPhen-2: "Benign"; Align-GVGD: "Class C0". The valine amino acid residue is found in multiple mammalian species, suggesting that this missense change does not adversely affect protein function. These predictions have not been confirmed by published functional studies and their clinical significance is uncertain. This variant has not been reported in the literature in individuals with NLRP1-related conditions. This variant is not present in population databases (ExAC no frequency). This sequence change replaces alanine with valine at codon 335 of the NLRP1 protein (p.Ala335Val). The alanine residue is moderately conserved and there is a small physicochemical difference between alanine and valine.

GeneDx
Classification: Uncertain significance. Last evaluated: 2019-09-11. Review status: criteria provided, single submitter. Criteria: GeneDx Variant Classification Process June 2021. Collection method: clinical testing. Allele origin: germline. Affected: yes.
Comment: Not observed in large population cohorts (Lek et al., 2016); In silico analysis, which includes protein predictors and evolutionary conservation, supports a deleterious effect; Has not been previously published as pathogenic or benign to our knowledge

NM_033004.4(NLRP1):c.1004C>T (p.Ala335Val)

Gene: NLRP1 (NLR family pyrin domain containing 1; minus strand). Cytogenetic location: 17p13.2.
Variant type: single nucleotide variant.
Coding change: c.1004C>T on transcript NM_033004.4 (MANE Select); coding-DNA position 1004, C replaced by T.
Protein change: p.Ala335Val; replaces alanine 335 with valine.
Molecular consequence: missense variant.
Genome position (GRCh38, 1-based): chr17:5,559,692, G>A on the plus strand (C>T on the coding strand, the complement: NLRP1 is on the minus strand). VCF-style: chr17-5559692-G-A. GRCh37 (hg19) VCF-style: chr17-5463012-G-A.
Other names: c.1004C>T, p.Ala335Val (NM_001033053.3, NM_014922.5, NM_033006.4 and 1 more transcripts); short protein forms A335V.
Identifiers: ClinVar variation 1320383 (VCV001320383.12), dbSNP rs1250910758, ClinGen allele CA397387323.
Genomic context (GRCh38, chr17:5,559,692, plus strand): 5'-TGGCCTCTCCCCCAGGCTTCCTTCACCTGCCTGGCCAGTGTTGACTTCCCAATTCCAGCA[G>A]CCCCCTGCAGTATGACTATGCGAGGTTCTTGGGTATCCAGGCCTGGGCCAAATAAGTCTC-3'
Protein context (NP_127497.1, residues 325-345): QEPRIVILQG[Ala335Val]AGIGKSTLAR